The following is an entry in ClinVar:

ClinVar aggregate classification (germline): Likely pathogenic (1 of 4 stars; one submission).

Submission:

Labcorp Genetics (formerly Invitae), Labcorp
Classification: Likely pathogenic. Last evaluated: 2023-01-05. Review status: criteria provided, single submitter. Criteria: Invitae Variant Classification Sherloc (09022015). Collection method: clinical testing. Allele origin: germline.
Comment: Disruption of this splice site has been observed in individual(s) with Usher syndrome type 1 (PMID: 24618850). This variant is not present in population databases (gnomAD no frequency). This sequence change affects an acceptor splice site in intron 3 of the PCDH15 gene. It is expected to disrupt RNA splicing. Variants that disrupt the donor or acceptor splice site typically lead to a loss of protein function (PMID: 16199547), and loss-of-function variants in PCDH15 are known to be pathogenic (PMID: 11398101, 11487575, 14570705). Algorithms developed to predict the effect of sequence changes on RNA splicing suggest that this variant may disrupt the consensus splice site. In summary, the currently available evidence indicates that the variant is pathogenic, but additional data are needed to prove that conclusively. Therefore, this variant has been classified as Likely Pathogenic.

Literature cited by the submitters: PubMed 24618850; PubMed 16199547; PubMed 11398101; PubMed 11487575; PubMed 14570705.

NM_001384140.1(PCDH15):c.158-1G>T

Gene: PCDH15 (protocadherin related 15; minus strand). Cytogenetic location: 10q21.1.
Variant type: single nucleotide variant.
Coding change: c.158-1G>T on transcript NM_001384140.1 (MANE Select); the canonical splice acceptor site of the intron before coding-DNA position 158, G replaced by T.
Molecular consequence: splice acceptor variant.
Genome position (GRCh38, 1-based): chr10:54,378,943, C>A on the plus strand (G>T on the coding strand, the complement: PCDH15 is on the minus strand). VCF-style: chr10-54378943-C-A. GRCh37 (hg19) VCF-style: chr10-56138703-C-A.
Other names: c.158-1G>T (NM_001354420.2, NM_001354429.2, NM_001142772.2 and 8 more transcripts); c.173-1G>T (NM_001142771.2, NM_001142769.3, NM_001142763.2); c.92-1G>T (NM_001354404.2, NM_001142773.2, NM_001142768.2).
Identifiers: ClinVar variation 2826459 (VCV002826459.3), dbSNP rs876657418, ClinGen allele CA376540747.